The following is an entry in ClinVar:

NM_001375405.1(CEP120):c.1622G>A (p.Ser541Asn)

Gene: CEP120 (centrosomal protein 120; minus strand). Cytogenetic location: 5q23.2.
Variant type: single nucleotide variant.
Coding change: c.1622G>A on transcript NM_001375405.1 (MANE Select); coding-DNA position 1622, G replaced by A.
Protein change: p.Ser541Asn; replaces serine 541 with asparagine.
Molecular consequence: missense variant. On other transcripts: non-coding transcript variant (1).
Genome position (GRCh38, 1-based): chr5:123,385,092, C>T on the plus strand (G>A on the coding strand, the complement: CEP120 is on the minus strand). VCF-style: chr5-123385092-C-T. GRCh37 (hg19) VCF-style: chr5-122720786-C-T.
Other names: c.1544G>A, p.Ser515Asn (NM_001166226.2); c.1487G>A, p.Ser496Asn (NM_001375406.1); c.1622G>A, p.Ser541Asn (NM_001375407.1, NM_153223.4); c.1049G>A, p.Ser350Asn (NM_001375408.1, NM_001375409.1); short protein forms S350N, S496N, S515N, S541N.
Identifiers: ClinVar variation 3774780 (VCV003774780.1).

ClinVar aggregate classification (germline): Uncertain significance (1 of 4 stars; one submission).

Submission:

GeneDx
Classification: Uncertain significance. Last evaluated: 2024-09-26. Review status: criteria provided, single submitter. Criteria: GeneDx Variant Classification Process June 2021. Collection method: clinical testing. Allele origin: germline. Affected: yes.
Comment: Not observed at significant frequency in large population cohorts (gnomAD); In silico analysis indicates that this missense variant does not alter protein structure/function; Has not been previously published as pathogenic or benign to our knowledge